The following is an entry in ClinVar:

ClinVar aggregate classification (germline): Likely pathogenic (1 of 4 stars; one submission).

Submission:

GeneDx
Classification: Likely pathogenic. Last evaluated: 2023-05-25. Review status: criteria provided, single submitter. Criteria: GeneDx Variant Classification Process June 2021. Collection method: clinical testing. Allele origin: germline. Affected: yes.
Comment: Not observed at significant frequency in large population cohorts (gnomAD); In silico analysis supports that this missense variant has a deleterious effect on protein structure/function; Has not been previously published as pathogenic or benign to our knowledge

NM_006517.5(SLC16A2):c.717T>A (p.Ser239Arg)

Gene: SLC16A2 (solute carrier family 16 member 2; plus strand). Cytogenetic location: Xq13.2.
Variant type: single nucleotide variant.
Coding change: c.717T>A on transcript NM_006517.5 (MANE Select); coding-DNA position 717, T replaced by A.
Protein change: p.Ser239Arg; replaces serine 239 with arginine.
Molecular consequence: missense variant.
Genome position (GRCh38, 1-based): chrX:74,524,500, T>A. VCF-style: chrX-74524500-T-A. GRCh37 (hg19) VCF-style: chrX-73744335-T-A.
Other names: short protein forms S239R.
Identifiers: ClinVar variation 2581791 (VCV002581791.1), dbSNP rs757289680, ClinGen allele CA413657127.